The following is an entry in ClinVar:

ClinVar aggregate classification (germline): Uncertain significance (1 of 4 stars; one submission).

Conditions:
Deficiency of malonyl-CoA decarboxylase. Also called: Malonic aciduria; MCD deficiency. Identifiers: Orphanet 943, MedGen C0342793, MONDO:0009556, OMIM 248360.

gnomAD v4.1: 5 of 1,614,192 alleles (0.00031%); highest among the groups gnomAD compares: African/African-American, 0.0053%; no homozygotes.

Submission:

Labcorp Genetics (formerly Invitae), Labcorp
Classification: Uncertain significance for Deficiency of malonyl-CoA decarboxylase. Last evaluated: 2022-07-13. Review status: criteria provided, single submitter. Criteria: Invitae Variant Classification Sherloc (09022015). Collection method: clinical testing. Allele origin: germline.
Comment: This sequence change replaces glutamic acid, which is acidic and polar, with glutamine, which is neutral and polar, at codon 276 of the MLYCD protein (p.Glu276Gln). This variant is present in population databases (no rsID available, gnomAD 0.007%). This variant has not been reported in the literature in individuals affected with MLYCD-related conditions. Algorithms developed to predict the effect of missense changes on protein structure and function (SIFT, PolyPhen-2, Align-GVGD) all suggest that this variant is likely to be tolerated. In summary, the available evidence is currently insufficient to determine the role of this variant in disease. Therefore, it has been classified as a Variant of Uncertain Significance.

NM_012213.3(MLYCD):c.826G>C (p.Glu276Gln)

Genes: MLYCD (malonyl-CoA decarboxylase; plus strand), LOC126862422 (CDK7 strongly-dependent group 2 enhancer GRCh37_chr16:83945234-83946433; plus strand). Cytogenetic location: 16q23.3.
Variant type: single nucleotide variant.
Coding change: c.826G>C on transcript NM_012213.3 (MANE Select); coding-DNA position 826, G replaced by C.
Protein change: p.Glu276Gln; replaces glutamic acid 276 with glutamine.
Molecular consequence: missense variant.
Genome position (GRCh38, 1-based): chr16:83,912,245, G>C. VCF-style: chr16-83912245-G-C. GRCh37 (hg19) VCF-style: chr16-83945850-G-C.
Other names: short protein forms E276Q.
Identifiers: ClinVar variation 2139653 (VCV002139653.1), dbSNP rs774327640, ClinGen allele CA396919170.